The following is an entry in ClinVar:

NC_000001.10:g.(?_53662616)_(53679267_?)dup

Gene: CPT2 (carnitine palmitoyltransferase 2; plus strand). Cytogenetic location: 1p32.3.
Variant type: Duplication.
Identifiers: ClinVar variation 1450394 (VCV001450394.4).

ClinVar aggregate classification (germline): Uncertain significance (1 of 4 stars; one submission).

Conditions:
Carnitine palmitoyltransferase II deficiency. Also called: Carnitine Palmitoyltransferase 2 Deficiency. Identifiers: Orphanet 157, MedGen C0342790, MONDO:0015515.

Submission:

Labcorp Genetics (formerly Invitae), Labcorp
Classification: Uncertain significance for Carnitine palmitoyltransferase II deficiency. Last evaluated: 2022-06-23. Review status: criteria provided, single submitter. Criteria: Invitae Variant Classification Sherloc (09022015). Collection method: clinical testing. Allele origin: germline.
Comment: A copy number gain of the genomic region encompassing the full coding sequence of the CPT2 gene has been identified. The boundaries of this event are unknown as they extend beyond the assayed region for this gene and therefore may encompass additional genes. As the precise location of this event is unknown, it may be in tandem or it may be located elsewhere in the genome. This variant has not been reported in the literature in individuals affected with CPT2-related conditions. In summary, the available evidence is currently insufficient to determine the role of this variant in disease. Therefore, it has been classified as a Variant of Uncertain Significance.